The following is an entry in ClinVar:

NM_000458.4(HNF1B):c.1058G>A (p.Ser353Asn)

Gene: HNF1B (HNF1 homeobox B; minus strand). Cytogenetic location: 17q12.
Variant type: single nucleotide variant.
Coding change: c.1058G>A on transcript NM_000458.4 (MANE Select); coding-DNA position 1058, G replaced by A.
Protein change: p.Ser353Asn; replaces serine 353 with asparagine.
Molecular consequence: missense variant.
Genome position (GRCh38, 1-based): chr17:37,710,651, C>T on the plus strand (G>A on the coding strand, the complement: HNF1B is on the minus strand). VCF-style: chr17-37710651-C-T. GRCh37 (hg19) VCF-style: chr17-36070659-C-T.
Other names: c.980G>A, p.Ser327Asn (NM_001165923.4, NM_001304286.2); c.1058G>A, p.Ser353Asn (NM_001411100.1); short protein forms S327N, S353N.
Identifiers: ClinVar variation 4983522 (VCV004983522.1).

ClinVar aggregate classification (germline): Uncertain significance (1 of 4 stars; one submission).

Conditions:
HNF1B-related disorder. Also called: HNF1B-related condition; HNF1B-related disorders.

gnomAD v4.1: 3 of 1,613,890 alleles (0.00019%); highest among the groups gnomAD compares: Non-Finnish European, 0.00025%; no homozygotes.

Submission:

PreventionGenetics, part of Exact Sciences
Classification: Uncertain significance for HNF1B-related condition. Last evaluated: 2025-10-20. Review status: criteria provided, single submitter. Criteria: ACMG Guidelines, 2015. Collection method: clinical testing. Allele origin: germline.
Comment: The HNF1B c.1058G>A variant is predicted to result in the amino acid substitution p.Ser353Asn. To our knowledge, this variant has not been reported in the literature or in a large population database (gnomAD), indicating this variant is rare. At this time, the clinical significance of this variant is uncertain due to the absence of conclusive functional and genetic evidence.